The following is an entry in ClinVar:

ClinVar aggregate classification (germline): Pathogenic (1 of 4 stars; one submission).

Conditions:
Nemaline myopathy 2 (NEM2). Also called: Nemaline myopathy 2, autosomal recessive. Identifiers: MedGen C1850569, MONDO:0009725, OMIM 256030.

Allele frequency attached by ClinVar (database versions not stated): gnomAD exomes below 0.00001; gnomAD 0.00001.
gnomAD v4.1: 3 of 1,610,836 alleles (0.00019%); highest among the groups gnomAD compares: Admixed American, 0.0017%; no homozygotes.

Submission:

Labcorp Genetics (formerly Invitae), Labcorp
Classification: Pathogenic for Nemaline myopathy 2. Last evaluated: 2023-09-25. Review status: criteria provided, single submitter. Criteria: Invitae Variant Classification Sherloc (09022015). Collection method: clinical testing. Allele origin: germline.
Comment: For these reasons, this variant has been classified as Pathogenic. This variant has not been reported in the literature in individuals affected with NEB-related conditions. This variant is not present in population databases (gnomAD no frequency). This sequence change creates a premature translational stop signal (p.Gln1185*) in the NEB gene. It is expected to result in an absent or disrupted protein product. Loss-of-function variants in NEB are known to be pathogenic (PMID: 25205138).

Literature cited by the submitters: PubMed 25205138.

NM_001164508.2(NEB):c.3553C>T (p.Gln1185Ter)

Gene: NEB (nebulin; minus strand). Cytogenetic location: 2q23.3.
Variant type: single nucleotide variant.
Coding change: c.3553C>T on transcript NM_001164508.2 (MANE Select); coding-DNA position 3553, C replaced by T.
Protein change: p.Gln1185Ter; replaces glutamine 1185 with a stop codon.
Molecular consequence: nonsense.
Genome position (GRCh38, 1-based): chr2:151,677,890, G>A on the plus strand (C>T on the coding strand, the complement: NEB is on the minus strand). VCF-style: chr2-151677890-G-A. GRCh37 (hg19) VCF-style: chr2-152534404-G-A.
Other names: c.3553C>T, p.Gln1185Ter (NM_001164507.2, NM_001271208.2, NM_004543.5); short protein forms Q1185*.
Identifiers: ClinVar variation 2763270 (VCV002763270.3), dbSNP rs2099384937, ClinGen allele CA348818850.